The following is an entry in ClinVar:

ClinVar aggregate classification (germline): Uncertain significance (1 of 4 stars; one submission).

Allele frequency attached by ClinVar (database versions not stated): gnomAD exomes below 0.00001.

Submission:

Labcorp Genetics (formerly Invitae), Labcorp
Classification: Uncertain significance. Last evaluated: 2023-12-30. Review status: criteria provided, single submitter. Criteria: Invitae Variant Classification Sherloc (09022015). Collection method: clinical testing. Allele origin: germline.
Comment: This sequence change replaces isoleucine, which is neutral and non-polar, with serine, which is neutral and polar, at codon 2281 of the FLNB protein (p.Ile2281Ser). This variant is not present in population databases (gnomAD no frequency). This variant has not been reported in the literature in individuals affected with FLNB-related conditions. ClinVar contains an entry for this variant (Variation ID: 1043196). Advanced modeling of protein sequence and biophysical properties (such as structural, functional, and spatial information, amino acid conservation, physicochemical variation, residue mobility, and thermodynamic stability) performed at Invitae indicates that this missense variant is not expected to disrupt FLNB protein function with a negative predictive value of 95%. In summary, the available evidence is currently insufficient to determine the role of this variant in disease. Therefore, it has been classified as a Variant of Uncertain Significance.

NM_001457.4(FLNB):c.6842T>G (p.Ile2281Ser)

Gene: FLNB (filamin B; plus strand). Cytogenetic location: 3p14.3.
Variant type: single nucleotide variant.
Coding change: c.6842T>G on transcript NM_001457.4 (MANE Select); coding-DNA position 6842, T replaced by G.
Protein change: p.Ile2281Ser; replaces isoleucine 2281 with serine.
Molecular consequence: missense variant.
Genome position (GRCh38, 1-based): chr3:58,156,029, T>G. VCF-style: chr3-58156029-T-G. GRCh37 (hg19) VCF-style: chr3-58141756-T-G.
Other names: c.6935T>G, p.Ile2312Ser (NM_001164317.2); c.6809T>G, p.Ile2270Ser (NM_001164318.2); c.6770T>G, p.Ile2257Ser (NM_001164319.2); short protein forms I2281S, I2257S, I2270S, I2312S.
Identifiers: ClinVar variation 1043196 (VCV001043196.5), dbSNP rs2097352835, ClinGen allele CA353362182.
Genomic context (GRCh38, chr3:58,156,029, plus strand): 5'-AGGTGTCCATCAAGTTCAATGATGAGCACATCCCGGAAAGCCCCTACCTGGTGCCGGTCA[T>G]CGCACCCTCCGACGACGCCCGCCGCCTCACTGTTATGAGCCTTCAGGTGAGATGCAAGGA-3'
Protein context (NP_001448.2, residues 2271-2291): IPESPYLVPV[Ile2281Ser]APSDDARRLT